The following is an entry in ClinVar:

ClinVar aggregate classification (germline): Likely pathogenic (1 of 4 stars; one submission).

Conditions:
Argininosuccinate lyase deficiency. Also called: ARGININOSUCCINIC ACID LYASE DEFICIENCY; ASL DEFICIENCY; Argininosuccinic aciduria. Identifiers: Orphanet 23, MedGen C0268547, MONDO:0008815, OMIM 207900, HP:0025630.

Submission:

Labcorp Genetics (formerly Invitae), Labcorp
Classification: Likely pathogenic for Argininosuccinate lyase deficiency. Last evaluated: 2021-09-19. Review status: criteria provided, single submitter. Criteria: Invitae Variant Classification Sherloc (09022015). Collection method: clinical testing. Allele origin: germline.
Comment: Algorithms developed to predict the effect of sequence changes on RNA splicing suggest that this variant may disrupt the consensus splice site. In summary, the currently available evidence indicates that the variant is pathogenic, but additional data are needed to prove that conclusively. Therefore, this variant has been classified as Likely Pathogenic. This variant has not been reported in the literature in individuals affected with ASL-related conditions. This variant is not present in population databases (ExAC no frequency). This sequence change affects a splice site in intron 12 of the ASL gene. It is expected to disrupt RNA splicing. Variants that disrupt the donor or acceptor splice site typically lead to a loss of protein function (PMID: 16199547), and loss-of-function variants in ASL are known to be pathogenic (PMID: 2263616, 24166829).

Literature cited by the submitters: PubMed 16199547; PubMed 2263616; PubMed 24166829.

NM_000048.4(ASL):c.918_919-31del

Gene: ASL (argininosuccinate lyase; plus strand). Cytogenetic location: 7q11.21.
Variant type: Deletion.
Coding change: c.918_919-31del on transcript NM_000048.4 (MANE Select); coding-DNA position 918 through 31 bases into the intron before coding-DNA position 919, 71 bases deleted.
Molecular consequence: splice donor variant.
Genome position (GRCh38, 1-based): chr7:66,089,175-66,089,245, 71 bases deleted. GRCh37 (hg19): chr7:65,554,162-65,554,232.
Other names: c.918_919-31del (NM_001024943.2); c.918_918+70del (NM_001024944.2); c.840_841-31del (NM_001024946.2).
Identifiers: ClinVar variation 1486700 (VCV001486700.6), dbSNP rs2115742136, ClinGen allele CA2573142313.